The following is an entry in ClinVar:

NM_022039.4(FBXW4):c.485AGG[6] (p.Glu168del)

Genes: FBXW4 (F-box and WD repeat domain containing 4; minus strand), LOC130004563 (ATAC-STARR-seq lymphoblastoid silent region 2723; plus strand). Cytogenetic location: 10q24.32.
Variant type: Microsatellite.
Coding change: c.485AGG[6] on transcript NM_022039.4 (MANE Select); six copies in a row of the 3-base unit AGG starting at c.485; the reference has seven copies in a row; one copy, 3 bases deleted.
Protein change: p.Glu168del; deletes glutamic acid 168.
Molecular consequence: inframe deletion. On other transcripts: non-coding transcript variant (1), intron variant (1).
Genome position (GRCh38, 1-based): chr10:101,694,601-101,694,603, CCT deleted on the plus strand (AGG on the coding strand, the reverse complement: FBXW4 is on the minus strand); deleting any 3 consecutive bases within chr10:101,694,601-101,694,623 gives the same sequence; the position shown is the placement nearest the transcript's 3' end. VCF-style (leftmost placement, unchanged base first): chr10-101694600-GCCT-G. GRCh37 (hg19) VCF-style: chr10-103454357-GCCT-G.
Other names: c.-2+619AGG[6] (NM_001323541.2); short protein forms E168del.
Identifiers: ClinVar variation 298540 (VCV000298540.10), dbSNP rs560966094, ClinGen allele CA5657488.

ClinVar aggregate classification (germline): Uncertain significance (1 of 4 stars; one submission).

Submission:

Labcorp Genetics (formerly Invitae), Labcorp
Classification: Uncertain significance. Last evaluated: 2026-01-18. Review status: criteria provided, single submitter. Criteria: Invitae Variant Classification Sherloc (09022015). Collection method: clinical testing. Allele origin: germline.
Comment: This variant, c.38_40del, results in the deletion of 1 amino acid(s) of the FBXW4 protein (p.Glu13del), but otherwise preserves the integrity of the reading frame. This variant is present in population databases (rs780365225, gnomAD 1.8%). This variant has not been reported in the literature in individuals affected with FBXW4-related conditions. Experimental studies and prediction algorithms are not available or were not evaluated, and the functional significance of this variant is currently unknown. In summary, the available evidence is currently insufficient to determine the role of this variant in disease. Therefore, it has been classified as a Variant of Uncertain Significance.